The following is an entry in ClinVar:

ClinVar aggregate classification (germline): Conflicting classifications of pathogenicity. Review status: criteria provided, conflicting classifications (1 of 4 stars). 2 submissions from 2 submitters: Uncertain significance (1); Likely benign (1). Last evaluated 2025-11-12.

Conditions:
SMC1A-related disorder. Also called: SMC1A-related condition.
Congenital muscular hypertrophy-cerebral syndrome (CDLS2). Also called: SMC1A-Related Cornelia de Lange Syndrome; Cornelia de Lange syndrome 2. Identifiers: Orphanet 199, MedGen C1802395, MONDO:0010370, OMIM 300590.

Allele frequency attached by ClinVar (database versions not stated): gnomAD exomes 0.00001 and 0.00005; gnomAD 0.00002; TOPMed 0.00002.

Submissions (2):

PreventionGenetics, part of Exact Sciences
Classification: Likely benign for SMC1A-related condition. Last evaluated: 2025-11-12. Review status: criteria provided, single submitter. Criteria: ACMG Guidelines, 2015. Collection method: clinical testing. Allele origin: germline.
Comment: This variant is classified as likely benign based on ACMG/AMP sequence variant interpretation guidelines (Richards et al. 2015 PMID: 25741868, with internal and published modifications).

Illumina Laboratory Services, Illumina
Classification: Uncertain significance for Congenital muscular hypertrophy-cerebral syndrome. Last evaluated: 2018-01-13. Review status: criteria provided, single submitter. Criteria: ICSL Variant Classification Criteria 13 December 2019. Collection method: clinical testing. Allele origin: germline.

NM_006306.4(SMC1A):c.-7G>A

Gene: SMC1A (structural maintenance of chromosomes 1A; minus strand). Cytogenetic location: Xp11.22.
Variant type: single nucleotide variant.
Coding change: c.-7G>A on transcript NM_006306.4 (MANE Select); 7 bases upstream of the start codon, G replaced by A.
Molecular consequence: 5 prime UTR variant.
Genome position (GRCh38, 1-based): chrX:53,422,607, C>T on the plus strand (G>A on the coding strand, the complement: SMC1A is on the minus strand). VCF-style: chrX-53422607-C-T. GRCh37 (hg19) VCF-style: chrX-53449556-C-T.
Other names: c.-219G>A (NM_001281463.1).
Identifiers: ClinVar variation 913520 (VCV000913520.6), dbSNP rs1368401429, ClinGen allele CA641541879.